The following is an entry in ClinVar:

NM_006258.4(PRKG1):c.369G>C (p.Glu123Asp)

Gene: PRKG1 (protein kinase cGMP-dependent 1; plus strand). Cytogenetic location: 10q21.1.
Variant type: single nucleotide variant.
Coding change: c.369G>C on transcript NM_006258.4 (MANE Select); coding-DNA position 369, G replaced by C.
Protein change: p.Glu123Asp; replaces glutamic acid 123 with aspartic acid.
Molecular consequence: missense variant.
Genome position (GRCh38, 1-based): chr10:51,153,221, G>C. VCF-style: chr10-51153221-G-C. GRCh37 (hg19) VCF-style: chr10-52912981-G-C.
Other names: c.324G>C, p.Glu108Asp (NM_001098512.3); c.369G>C, p.Glu123Asp (NM_001374782.1); short protein forms E123D, E108D.
Identifiers: ClinVar variation 1734045 (VCV001734045.2), dbSNP rs781781854, ClinGen allele CA5503115.

ClinVar aggregate classification (germline): Uncertain significance (1 of 4 stars; one submission).

Conditions:
Familial thoracic aortic aneurysm and aortic dissection (TAAD). Also called: Thoracic aortic aneurysms and dissections. Identifiers: Orphanet 91387, MedGen C4707243, MONDO:0019625.

Allele frequency attached by ClinVar (database versions not stated): TOPMed below 0.00001; ExAC 0.00001; gnomAD 0.00001.
gnomAD v4.1: 2 of 1,612,446 alleles (0.00012%); highest among the groups gnomAD compares: African/African-American, 0.0027%; no homozygotes.

Submission:

Ambry Genetics
Classification: Uncertain significance for Familial thoracic aortic aneurysm and aortic dissection. Last evaluated: 2021-06-22. Review status: criteria provided, single submitter. Criteria: Ambry Variant Classification Scheme 2023. Collection method: clinical testing. Allele origin: germline.
Comment: The p.E123D variant (also known as c.369G>C), located in coding exon 2 of the PRKG1 gene, results from a G to C substitution at nucleotide position 369. The glutamic acid at codon 123 is replaced by aspartic acid, an amino acid with highly similar properties. This amino acid position is conserved. In addition, the in silico prediction for this alteration is inconclusive. Since supporting evidence is limited at this time, the clinical significance of this alteration remains unclear.